The following is an entry in ClinVar:

ClinVar aggregate classification (germline): Uncertain significance. Review status: criteria provided, multiple submitters, no conflicts (2 of 4 stars). 2 submissions from 2 submitters: Uncertain significance (2). Last evaluated 2025-05-17.

Conditions:
Inborn genetic diseases. Identifiers: MedGen C0950123, MeSH D030342.

Allele frequency attached by ClinVar (database versions not stated): TOPMed below 0.00001.

Submissions (2):

Ambry Genetics
Classification: Uncertain significance for Inborn genetic diseases. Last evaluated: 2025-05-17. Review status: criteria provided, single submitter. Criteria: Ambry Variant Classification Scheme 2023. Collection method: clinical testing. Allele origin: germline.

Labcorp Genetics (formerly Invitae), Labcorp
Classification: Uncertain significance. Last evaluated: 2020-12-08. Review status: criteria provided, single submitter. Criteria: Invitae Variant Classification Sherloc (09022015). Collection method: clinical testing. Allele origin: germline.
Comment: In summary, the available evidence is currently insufficient to determine the role of this variant in disease. Therefore, it has been classified as a Variant of Uncertain Significance. Algorithms developed to predict the effect of missense changes on protein structure and function are either unavailable or do not agree on the potential impact of this missense change (SIFT: "Not Available"; PolyPhen-2: "Benign"; Align-GVGD: "Not Available"). This variant has not been reported in the literature in individuals with UNC45A-related conditions. This variant is not present in population databases (ExAC no frequency). This sequence change replaces isoleucine with threonine at codon 139 of the UNC45A protein (p.Ile139Thr). The isoleucine residue is moderately conserved and there is a moderate physicochemical difference between isoleucine and threonine.

NM_018671.5(UNC45A):c.416T>C (p.Ile139Thr)

Gene: UNC45A (unc-45 myosin chaperone A; plus strand). Cytogenetic location: 15q26.1.
Variant type: single nucleotide variant.
Coding change: c.416T>C on transcript NM_018671.5 (MANE Select); coding-DNA position 416, T replaced by C.
Protein change: p.Ile139Thr; replaces isoleucine 139 with threonine.
Molecular consequence: missense variant. On other transcripts: 5 prime UTR variant (1).
Genome position (GRCh38, 1-based): chr15:90,936,450, T>C. VCF-style: chr15-90936450-T-C. GRCh37 (hg19) VCF-style: chr15-91479680-T-C.
Other names: c.371T>C, p.Ile124Thr (NM_001039675.2, NM_001323621.2); c.416T>C, p.Ile139Thr (NM_001323619.1); c.-20T>C (NM_001323620.2); c.416T>C (NM_018671.3); short protein forms I124T, I139T.
Identifiers: ClinVar variation 1463425 (VCV001463425.7), dbSNP rs2036027773, ClinGen allele CA393891167.